The following is an entry in ClinVar:

ClinVar aggregate classification (germline): Uncertain significance. Review status: criteria provided, multiple submitters, no conflicts (2 of 4 stars). 5 submissions from 5 submitters: Uncertain significance (5). Last evaluated 2026-10-15.

Conditions:
Progressive sclerosing poliodystrophy (MTDPS4A). Also called: ALPERS PROGRESSIVE INFANTILE POLIODYSTROPHY; NEURONAL DEGENERATION OF CHILDHOOD WITH LIVER DISEASE, PROGRESSIVE; ALPERS DIFFUSE DEGENERATION OF CEREBRAL GRAY MATTER WITH HEPATIC CIRRHOSIS; Alpers-Huttenlocher Syndrome; Mitochondrial DNA depletion syndrome 4A (Alpers type); Mitochondrial DNA Depletion Syndrome 4A. Identifiers: Orphanet 726, MedGen C0205710, MONDO:0008758, OMIM 203700.

Allele frequency attached by ClinVar (database versions not stated): ExAC 0.00001; gnomAD 0.00001; TOPMed 0.00002; gnomAD exomes 0.00001.
gnomAD v4.1: 11 of 1,612,374 alleles (0.00068%); highest among the groups gnomAD compares: Admixed American, 0.013%; no homozygotes.

Submissions (5):

GeneDx
Classification: Uncertain significance. Last evaluated: 2026-10-15. Review status: criteria provided, single submitter. Criteria: GeneDx Variant Classification Process June 2021. Collection method: clinical testing. Allele origin: germline.
Comment: Not observed at significant frequency in large population cohorts (gnomAD); In silico analysis suggests that this missense variant does not alter protein structure/function; Has not been previously published as pathogenic or benign to our knowledge; In silico analysis suggests this variant may impact gene splicing. In the absence of RNA/functional studies, the actual effect of this sequence change is unknown.

Labcorp Genetics (formerly Invitae), Labcorp
Classification: Uncertain significance for Progressive sclerosing poliodystrophy. Last evaluated: 2025-12-11. Review status: criteria provided, single submitter. Criteria: Invitae Variant Classification Sherloc (09022015). Collection method: clinical testing. Allele origin: germline.
Comment: This sequence change replaces lysine, which is basic and polar, with arginine, which is basic and polar, at codon 726 of the POLG protein (p.Lys726Arg). This variant is present in population databases (rs774599342, gnomAD 0.009%). This variant has not been reported in the literature in individuals affected with POLG-related conditions. ClinVar contains an entry for this variant (Variation ID: 206514). Invitae Evidence Modeling of protein sequence and biophysical properties (such as structural, functional, and spatial information, amino acid conservation, physicochemical variation, residue mobility, and thermodynamic stability) indicates that this missense variant is not expected to disrupt POLG protein function with a negative predictive value of 95%. In summary, the available evidence is currently insufficient to determine the role of this variant in disease. Therefore, it has been classified as a Variant of Uncertain Significance.

Mayo Clinic Laboratories, Mayo Clinic
Classification: Uncertain significance. Last evaluated: 2024-10-09. Review status: criteria provided, single submitter. Criteria: ACMG Guidelines, 2015. Collection method: clinical testing. Allele origin: germline. Observed: 1 variant allele.
Comment: PM2_supporting

Wong Mito Lab, Molecular and Human Genetics, Baylor College of Medicine
Classification: Uncertain significance for Progressive sclerosing poliodystrophy. Last evaluated: 2018-10-01. Review status: criteria provided, single submitter. Criteria: ACMG Guidelines, 2015. Collection method: clinical testing. Allele origin: germline.
Comment: The NM_002693.2:c.2177A>G (NP_002684.1:p.Lys726Arg) [GRCH38: NC_000015.10:g.89323492T>C] variant in POLG gene is interpretated to be a Uncertain Significance based on ACMG guidelines (PMID: 25741868). This variant meets the following evidence codes reported in the ACMG-guideline. BP4:Computational evidence/predictors indicate no impact on the POLG structure, function, or protein-protein interaction. PM2:This variant is absent in key population databases. Based on the evidence criteria codes applied, the variant is suggested to be Uncertain Significance.

Eurofins Ntd Llc (ga)
Classification: Uncertain significance. Last evaluated: 2017-10-16. Review status: criteria provided, single submitter. Criteria: EGL Classification Definitions 2015. Collection method: clinical testing. Allele origin: germline. Observed: 3 variant alleles, 3 heterozygotes.

NM_002693.3(POLG):c.2177A>G (p.Lys726Arg)

Gene: POLG (DNA polymerase gamma, catalytic subunit; minus strand). Cytogenetic location: 15q26.1.
Variant type: single nucleotide variant.
Coding change: c.2177A>G on transcript NM_002693.3 (MANE Select); coding-DNA position 2177, A replaced by G.
Protein change: p.Lys726Arg; replaces lysine 726 with arginine.
Molecular consequence: missense variant.
Genome position (GRCh38, 1-based): chr15:89,323,492, T>C on the plus strand (A>G on the coding strand, the complement: POLG is on the minus strand). VCF-style: chr15-89323492-T-C. GRCh37 (hg19) VCF-style: chr15-89866723-T-C.
Other names: p.K726R:AAG>AGG; p.Lys726Arg; c.2177A>G, p.Lys726Arg (NM_001126131.2); short protein forms K726R.
Identifiers: ClinVar variation 206514 (VCV000206514.17), dbSNP rs774599342, ClinGen allele CA316674.